The following is an entry in ClinVar:

ClinVar aggregate classification (germline): Conflicting classifications of pathogenicity. Review status: criteria provided, conflicting classifications (1 of 4 stars). 3 submissions from 3 submitters: Uncertain significance (1); Likely benign (2). Last evaluated 2025-05-01.

Conditions:
Megalencephaly-polymicrogyria-postaxial polydactyly-hydrocephalus syndrome. Also called: MEG-PMG-MEGACC SYNDROME; MPPH Syndrome. Identifiers: Orphanet 83473, MedGen C1863924, MONDO:0019375.

Allele frequency attached by ClinVar (database versions not stated): TOPMed 0.00011; gnomAD 0.00012 and 0.00014; gnomAD exomes 0.00015 and 0.00023.
gnomAD v4.1: 179 of 1,235,542 alleles (0.014%); highest among the groups gnomAD compares: Non-Finnish European, 0.017%; no homozygotes.

Submissions (3):

CeGaT Center for Human Genetics Tuebingen
Classification: Likely benign. Last evaluated: 2025-05-01. Review status: criteria provided, single submitter. Criteria: CeGaT Center For Human Genetics Tuebingen Variant Classification Criteria Version 2. Collection method: clinical testing. Allele origin: germline. Affected: yes. Observed: 1 variant allele.
Comment: PIK3R2: BS2

Labcorp Genetics (formerly Invitae), Labcorp
Classification: Likely benign for Megalencephaly-polymicrogyria-postaxial polydactyly-hydrocephalus syndrome. Last evaluated: 2025-04-17. Review status: criteria provided, single submitter. Criteria: Invitae Variant Classification Sherloc (09022015). Collection method: clinical testing. Allele origin: germline.

Breakthrough Genomics
Classification: Uncertain significance. Review status: criteria provided, single submitter. Criteria: ACMG Guidelines, 2015. Collection method: not provided. Allele origin: germline. Inheritance: Autosomal dominant inheritance. Affected: yes.

NM_005027.4(PIK3R2):c.706G>A (p.Ala236Thr)

Genes: PIK3R2 (phosphoinositide-3-kinase regulatory subunit 2; plus strand), LOC130063979 (ATAC-STARR-seq lymphoblastoid silent region 10375; plus strand). Cytogenetic location: 19p13.11.
Variant type: single nucleotide variant.
Coding change: c.706G>A on transcript NM_005027.4 (MANE Select); coding-DNA position 706, G replaced by A.
Protein change: p.Ala236Thr; replaces alanine 236 with threonine.
Molecular consequence: missense variant. On other transcripts: non-coding transcript variant (1).
Genome position (GRCh38, 1-based): chr19:18,161,386, G>A. VCF-style: chr19-18161386-G-A. GRCh37 (hg19) VCF-style: chr19-18272196-G-A.
Other names: short protein forms A236T.
Identifiers: ClinVar variation 856239 (VCV000856239.21), dbSNP rs941281903, ClinGen allele CA306170192.